The following is an entry in ClinVar:

NM_022166.4(XYLT1):c.2071C>G (p.Leu691Val)

Gene: XYLT1 (xylosyltransferase 1; minus strand). Cytogenetic location: 16p12.3.
Variant type: single nucleotide variant.
Coding change: c.2071C>G on transcript NM_022166.4 (MANE Select); coding-DNA position 2071, C replaced by G.
Protein change: p.Leu691Val; replaces leucine 691 with valine.
Molecular consequence: missense variant.
Genome position (GRCh38, 1-based): chr16:17,127,818, G>C on the plus strand (C>G on the coding strand, the complement: XYLT1 is on the minus strand). VCF-style: chr16-17127818-G-C. GRCh37 (hg19) VCF-style: chr16-17221675-G-C.
Other names: short protein forms L691V.
Identifiers: ClinVar variation 2108625 (VCV002108625.4), dbSNP rs774232017, ClinGen allele CA7927670.

ClinVar aggregate classification (germline): Uncertain significance (1 of 4 stars; one submission).

Conditions:
Desbuquois dysplasia 1 (DBQD1). Also called: MICROMELIC DWARFISM WITH VERTEBRAL AND METAPHYSEAL ABNORMALITIES AND ADVANCED CARPOTARSAL OSSIFICATION; DESBUQUOIS DYSPLASIA 1, KIM VARIANT. Identifiers: Orphanet 1425, MedGen C4012146, MONDO:0009629, OMIM 251450.

Allele frequency attached by ClinVar (database versions not stated): ExAC 0.00001; gnomAD 0.00001.
gnomAD v4.1: 6 of 1,614,004 alleles (0.00037%); highest among the groups gnomAD compares: Non-Finnish European, 0.00051%; no homozygotes.

Submission:

Labcorp Genetics (formerly Invitae), Labcorp
Classification: Uncertain significance for Desbuquois dysplasia 1. Last evaluated: 2024-01-24. Review status: criteria provided, single submitter. Criteria: Invitae Variant Classification Sherloc (09022015). Collection method: clinical testing. Allele origin: germline.
Comment: This sequence change replaces leucine, which is neutral and non-polar, with valine, which is neutral and non-polar, at codon 691 of the XYLT1 protein (p.Leu691Val). This variant is present in population databases (rs774232017, gnomAD 0.002%). This variant has not been reported in the literature in individuals affected with XYLT1-related conditions. ClinVar contains an entry for this variant (Variation ID: 2108625). Advanced modeling of protein sequence and biophysical properties (such as structural, functional, and spatial information, amino acid conservation, physicochemical variation, residue mobility, and thermodynamic stability) performed at Invitae indicates that this missense variant is not expected to disrupt XYLT1 protein function with a negative predictive value of 80%. In summary, the available evidence is currently insufficient to determine the role of this variant in disease. Therefore, it has been classified as a Variant of Uncertain Significance.